The following is an entry in ClinVar:

ClinVar aggregate classification (germline): Conflicting classifications of pathogenicity. Review status: criteria provided, conflicting classifications (1 of 4 stars). 4 submissions from 4 submitters: Uncertain significance (1); Benign (1); Likely benign (1). 1 of the submissions does not count toward it. Last evaluated 2026-01-04.

Conditions:
Cardiovascular phenotype. Identifiers: MedGen CN230736.
TRPM4-related disorder. Also called: TRPM4-related disorders; TRPM4-related condition. Identifiers: MedGen CN239424.
Progressive familial heart block type IB (PFHB1B). Identifiers: Orphanet 871, MedGen C1970298, MONDO:0011474, OMIM 604559.

Allele frequency attached by ClinVar (database versions not stated): gnomAD 0.00005; TOPMed 0.00007; ESP Exome Variant Server 0.00015; ExAC 0.00017.
gnomAD v4.1: 131 of 1,613,934 alleles (0.0081%); highest among the groups gnomAD compares: Admixed American, 0.028%; no homozygotes.

Submissions (4):

Labcorp Genetics (formerly Invitae), Labcorp
Classification: Benign for Progressive familial heart block type IB. Last evaluated: 2026-01-04. Review status: criteria provided, single submitter. Criteria: Invitae Variant Classification Sherloc (09022015). Collection method: clinical testing. Allele origin: germline.

Ambry Genetics
Classification: Likely benign for Cardiovascular phenotype. Last evaluated: 2020-10-28. Review status: criteria provided, single submitter. Criteria: Ambry Variant Classification Scheme 2023. Collection method: clinical testing. Allele origin: germline.

Illumina Laboratory Services, Illumina
Classification: Uncertain significance for Progressive familial heart block type IB. Last evaluated: 2018-01-13. Review status: criteria provided, single submitter. Criteria: ICSL Variant Classification Criteria 13 December 2019. Collection method: clinical testing. Allele origin: germline.

PreventionGenetics, part of Exact Sciences
Classification: Likely benign for TRPM4-related condition. Last evaluated: 2019-04-30. Review status: no assertion criteria provided. Collection method: clinical testing. Allele origin: germline. Not counted in ClinVar's aggregate classification.
Comment: This variant is classified as likely benign based on ACMG/AMP sequence variant interpretation guidelines (Richards et al. 2015 PMID: 25741868, with internal and published modifications).

NM_017636.4(TRPM4):c.2712G>T (p.Val904=)

Gene: TRPM4 (transient receptor potential cation channel subfamily M member 4; plus strand). Cytogenetic location: 19q13.33.
Variant type: single nucleotide variant.
Coding change: c.2712G>T on transcript NM_017636.4 (MANE Select); coding-DNA position 2712, G replaced by T.
Protein change: p.Val904=; no amino-acid change (valine 904 retained).
Molecular consequence: synonymous variant.
Genome position (GRCh38, 1-based): chr19:49,200,366, G>T. VCF-style: chr19-49200366-G-T. GRCh37 (hg19) VCF-style: chr19-49703623-G-T.
Other names: c.2277G>T, p.Val759= (NM_001195227.2); c.2367G>T, p.Val789= (NM_001321281.2); c.1104G>T, p.Val368= (NM_001321282.2); c.2190G>T, p.Val730= (NM_001321283.2); c.1650G>T, p.Val550= (NM_001321285.2).
Identifiers: ClinVar variation 892660 (VCV000892660.17), dbSNP rs143447932, ClinGen allele CA9569625.